The following is an entry in ClinVar:

NM_000179.3(MSH6):c.1733A>G (p.His578Arg)

Gene: MSH6 (mutS homolog 6; plus strand). Cytogenetic location: 2p16.3.
Variant type: single nucleotide variant.
Coding change: c.1733A>G on transcript NM_000179.3 (MANE Select); coding-DNA position 1733, A replaced by G.
Protein change: p.His578Arg; replaces histidine 578 with arginine.
Molecular consequence: missense variant.
Genome position (GRCh38, 1-based): chr2:47,799,716, A>G. VCF-style: chr2-47799716-A-G. GRCh37 (hg19) VCF-style: chr2-48026855-A-G.
Other names: c.1343A>G, p.His448Arg (NM_001281492.2); c.827A>G, p.His276Arg (NM_001281493.2, NM_001281494.2); short protein forms H578R, H276R, H448R.
Identifiers: ClinVar variation 572941 (VCV000572941.14), dbSNP rs1553413111, ClinGen allele CA346748791.

ClinVar aggregate classification (germline): Uncertain significance. Review status: criteria provided, multiple submitters, no conflicts (2 of 4 stars). 5 submissions from 5 submitters: Uncertain significance (5). Last evaluated 2025-12-29.

Conditions:
Hereditary nonpolyposis colorectal neoplasms. Identifiers: MedGen C0009405, MeSH D003123.
Hereditary cancer-predisposing syndrome. Also called: Neoplastic Syndromes, Hereditary; Hereditary Cancer Syndrome; Tumor predisposition; Hereditary neoplastic syndrome. Identifiers: Orphanet 140162, MedGen C0027672, MeSH D009386, MONDO:0015356.
Lynch syndrome. Identifiers: Orphanet 144, MedGen C4552100, MONDO:0005835. Disease mechanism: loss of function.

Allele frequency attached by ClinVar (database versions not stated): gnomAD exomes below 0.00001.
gnomAD v4.1: 1 of 1,614,214 alleles (0.000062%); highest among the groups gnomAD compares: Non-Finnish European, 0.000085%; no homozygotes.

Submissions (5):

Center for Genomic Medicine, Rigshospitalet, Copenhagen University Hospital
Classification: Uncertain significance. Last evaluated: 2025-12-29. Review status: criteria provided, single submitter. Criteria: ACMG Guidelines, 2015. Collection method: clinical testing. Allele origin: germline.

Ambry Genetics
Classification: Uncertain significance for Hereditary cancer-predisposing syndrome. Last evaluated: 2025-11-24. Review status: criteria provided, single submitter. Criteria: Ambry Variant Classification Scheme 2023. Collection method: clinical testing. Allele origin: germline.
Comment: The p.H578R variant (also known as c.1733A>G), located in coding exon 4 of the MSH6 gene, results from an A to G substitution at nucleotide position 1733. The histidine at codon 578 is replaced by arginine, an amino acid with highly similar properties. This amino acid position is conserved. In addition, this alteration is predicted to be deleterious by in silico analysis. Based on the available evidence, the clinical significance of this variant remains unclear.

Women's Health and Genetics/Laboratory Corporation of America, LabCorp
Classification: Uncertain significance. Last evaluated: 2025-10-14. Review status: criteria provided, single submitter. Criteria: LabCorp Variant Classification Summary - May 2015. Collection method: clinical testing. Allele origin: germline.

Labcorp Genetics (formerly Invitae), Labcorp
Classification: Uncertain significance for Hereditary nonpolyposis colorectal neoplasms. Last evaluated: 2025-06-15. Review status: criteria provided, single submitter. Criteria: Invitae Variant Classification Sherloc (09022015). Collection method: clinical testing. Allele origin: germline.
Comment: This sequence change replaces histidine, which is basic and polar, with arginine, which is basic and polar, at codon 578 of the MSH6 protein (p.His578Arg). This variant is not present in population databases (gnomAD no frequency). This variant has not been reported in the literature in individuals affected with MSH6-related conditions. ClinVar contains an entry for this variant (Variation ID: 572941). Invitae Evidence Modeling of protein sequence and biophysical properties (such as structural, functional, and spatial information, amino acid conservation, physicochemical variation, residue mobility, and thermodynamic stability) indicates that this missense variant is not expected to disrupt MSH6 protein function with a negative predictive value of 95%. In summary, the available evidence is currently insufficient to determine the role of this variant in disease. Therefore, it has been classified as a Variant of Uncertain Significance.

All of Us Research Program, National Institutes of Health
Classification: Uncertain significance for Lynch syndrome. Last evaluated: 2024-01-11. Review status: criteria provided, single submitter. Criteria: ACMG Guidelines, 2015. Collection method: clinical testing. Allele origin: germline. Inheritance: Autosomal dominant inheritance. Observed: 1 variant allele, 1 heterozygote.
Comment: This study involves interpretation of variants in research participants for the purpose of population health screening. Participant phenotype was not available at the time of variant classification. Additional details can be found in publication PMID: 35346344, PMCID: PMC8962531